The following is an entry in ClinVar:

NM_001006658.3(CR2):c.1103G>A (p.Arg368Gln)

Genes: CR2 (complement C3d receptor 2; plus strand), LOC126805994 (BRD4-independent group 4 enhancer GRCh37_chr1:207642622-207643821; plus strand). Cytogenetic location: 1q32.2.
Variant type: single nucleotide variant.
Coding change: c.1103G>A on transcript NM_001006658.3 (MANE Select); coding-DNA position 1103, G replaced by A.
Protein change: p.Arg368Gln; replaces arginine 368 with glutamine.
Molecular consequence: missense variant.
Genome position (GRCh38, 1-based): chr1:207,469,980, G>A. VCF-style: chr1-207469980-G-A. GRCh37 (hg19) VCF-style: chr1-207643325-G-A.
Other names: c.1103G>A, p.Arg368Gln (NM_001877.5); short protein forms R368Q.
Identifiers: ClinVar variation 2431375 (VCV002431375.2), dbSNP rs746224290, ClinGen allele CA1368626.

ClinVar aggregate classification (germline): Uncertain significance. Review status: criteria provided, multiple submitters, no conflicts (2 of 4 stars). 2 submissions from 2 submitters: Uncertain significance (2). Last evaluated 2024-10-08.

Conditions:
Immunodeficiency, common variable, 7. Identifiers: Orphanet 1572, Orphanet 696894, MedGen C3542922, MONDO:0013862, OMIM 614699.

Allele frequency attached by ClinVar (database versions not stated): gnomAD 0.00001.
gnomAD v4.1: 23 of 1,613,856 alleles (0.0014%); highest among the groups gnomAD compares: South Asian, 0.018%; 1 homozygote.

Submissions (2):

Labcorp Genetics (formerly Invitae), Labcorp
Classification: Uncertain significance for Immunodeficiency, common variable, 7. Last evaluated: 2024-10-08. Review status: criteria provided, single submitter. Criteria: Invitae Variant Classification Sherloc (09022015). Collection method: clinical testing. Allele origin: germline.
Comment: This sequence change replaces arginine, which is basic and polar, with glutamine, which is neutral and polar, at codon 368 of the CR2 protein (p.Arg368Gln). This variant is present in population databases (rs746224290, gnomAD 0.02%). This variant has not been reported in the literature in individuals affected with CR2-related conditions. ClinVar contains an entry for this variant (Variation ID: 2431375). An algorithm developed to predict the effect of missense changes on protein structure and function outputs the following: PolyPhen-2: "Benign". The glutamine amino acid residue is found in multiple mammalian species, which suggests that this missense change does not adversely affect protein function. In summary, the available evidence is currently insufficient to determine the role of this variant in disease. Therefore, it has been classified as a Variant of Uncertain Significance.

Laboratorio de Genetica e Diagnostico Molecular, Hospital Israelita Albert Einstein
Classification: Uncertain significance for Immunodeficiency, common variable, 7. Last evaluated: 2022-09-22. Review status: criteria provided, single submitter. Criteria: ACMG Guidelines, 2015. Collection method: clinical testing. Allele origin: germline. Affected: yes. Observed: 1 variant allele.
Comment: ACMG classification criteria: PM2 moderated, BP4 supporting